The following is an entry in ClinVar:

ClinVar aggregate classification (germline): Likely benign. Review status: criteria provided, multiple submitters, no conflicts (2 of 4 stars). 4 submissions from 4 submitters: Likely benign (3). 1 of the submissions does not count toward it. Last evaluated 2025-12-26.

Conditions:
Nemaline myopathy 2 (NEM2). Also called: Nemaline myopathy 2, autosomal recessive. Identifiers: MedGen C1850569, MONDO:0009725, OMIM 256030.

Allele frequency attached by ClinVar (database versions not stated): ExAC 0.00002; gnomAD exomes 0.00002; TOPMed 0.00004; gnomAD 0.00005 and 0.00006.
gnomAD v4.1: 84 of 1,613,714 alleles (0.0052%); highest among the groups gnomAD compares: Non-Finnish European, 0.0069%; no homozygotes.

Submissions (4):

Labcorp Genetics (formerly Invitae), Labcorp
Classification: Likely benign for Nemaline myopathy 2. Last evaluated: 2025-12-26. Review status: criteria provided, single submitter. Criteria: Invitae Variant Classification Sherloc (09022015). Collection method: clinical testing. Allele origin: germline.

Mayo Clinic Laboratories, Mayo Clinic
Classification: Likely benign. Last evaluated: 2025-02-05. Review status: criteria provided, single submitter. Criteria: ACMG Guidelines, 2015. Collection method: clinical testing. Allele origin: germline. Observed: 1 variant allele.
Comment: BP4, BP7

GeneDx
Classification: Likely benign. Last evaluated: 2021-03-15. Review status: criteria provided, single submitter. Criteria: GeneDx Variant Classification Process June 2021. Collection method: clinical testing. Allele origin: germline. Affected: yes.

Natera, Inc.
Classification: Uncertain significance for Nemaline myopathy type 2. Last evaluated: 2020-02-13. Review status: no assertion criteria provided. Collection method: clinical testing. Allele origin: germline. Not counted in ClinVar's aggregate classification.

NM_001164508.2(NEB):c.9468T>C (p.Ile3156=)

Gene: NEB (nebulin; minus strand). Cytogenetic location: 2q23.3.
Variant type: single nucleotide variant.
Coding change: c.9468T>C on transcript NM_001164508.2 (MANE Select); coding-DNA position 9468, T replaced by C.
Protein change: p.Ile3156=; no amino-acid change (isoleucine 3156 retained).
Molecular consequence: synonymous variant. On other transcripts: intron variant (1).
Genome position (GRCh38, 1-based): chr2:151,631,293, A>G on the plus strand (T>C on the coding strand, the complement: NEB is on the minus strand). VCF-style: chr2-151631293-A-G. GRCh37 (hg19) VCF-style: chr2-152487807-A-G.
Other names: p.Ile3156=; c.9468T>C, p.Ile3156= (NM_001164507.2, NM_001271208.2); c.8854-115T>C (NM_004543.5).
Identifiers: ClinVar variation 727996 (VCV000727996.16), dbSNP rs751747575, ClinGen allele CA1909315.